The following is an entry in ClinVar:

NM_138694.4(PKHD1):c.1838T>G (p.Leu613Arg)

Gene: PKHD1 (PKHD1 ciliary IPT domain containing fibrocystin/polyductin; minus strand). Cytogenetic location: 6p12.2.
Variant type: single nucleotide variant.
Coding change: c.1838T>G on transcript NM_138694.4 (MANE Select); coding-DNA position 1838, T replaced by G.
Protein change: p.Leu613Arg; replaces leucine 613 with arginine.
Molecular consequence: missense variant.
Genome position (GRCh38, 1-based): chr6:52,054,164, A>C on the plus strand (T>G on the coding strand, the complement: PKHD1 is on the minus strand). VCF-style: chr6-52054164-A-C. GRCh37 (hg19) VCF-style: chr6-51918962-A-C.
Other names: c.1838T>G, p.Leu613Arg (NM_170724.3); short protein forms L613R.
Identifiers: ClinVar variation 2631597 (VCV002631597.3), dbSNP rs2533290556, ClinGen allele CA364423487.
Genomic context (GRCh38, chr6:52,054,164, plus strand): 5'-ATTGTGAAGGACACAATCATCTTCAGGATCTTGTTCATGTGGCCTTTGTATGCAAGACAC[A>C]GCTATGGACACCAAATAAGTCCTTCAGTTCTATTAGTGCAAGAAGCAGTCATTCAAACAA-3'
Protein context (NP_619639.3, residues 603-623): KGYRLDQYTH[Leu613Arg]CLAYKGHMNK

ClinVar aggregate classification (germline): Uncertain significance (0 of 4 stars; one submission).

Conditions:
PKHD1-related disorder. Also called: PKHD1-related condition.

Submission:

PreventionGenetics, part of Exact Sciences
Classification: Uncertain significance for PKHD1-related condition. Last evaluated: 2024-02-16. Review status: no assertion criteria provided. Collection method: clinical testing. Allele origin: germline.
Comment: The PKHD1 c.1838T>G variant is predicted to result in the amino acid substitution p.Leu613Arg. To our knowledge, this variant has not been reported in the literature or in a large population database, indicating this variant is rare. Therefore, we suspect this variant could be pathogenic. At this time, however, the clinical significance of this variant is uncertain due to the absence of conclusive functional and genetic evidence.